The following is an entry in ClinVar:

ClinVar aggregate classification (germline): Uncertain significance (1 of 4 stars; one submission).

Conditions:
Infantile spasms. Also called: Infantile spasm. Identifiers: MedGen C3887898, HP:0012469.

Allele frequency attached by ClinVar (database versions not stated): ExAC 0.00002; TOPMed 0.00001; gnomAD exomes 0.00003.
gnomAD v4.1: 41 of 1,614,064 alleles (0.0025%); highest among the groups gnomAD compares: Non-Finnish European, 0.0033%; no homozygotes.

Submission:

Labcorp Genetics (formerly Invitae), Labcorp
Classification: Uncertain significance for Infantile spasms. Last evaluated: 2025-06-09. Review status: criteria provided, single submitter. Criteria: Invitae Variant Classification Sherloc (09022015). Collection method: clinical testing. Allele origin: germline.
Comment: This sequence change replaces arginine, which is basic and polar, with glutamine, which is neutral and polar, at codon 711 of the PIK3AP1 protein (p.Arg711Gln). This variant is present in population databases (rs754633544, gnomAD 0.003%). This variant has not been reported in the literature in individuals affected with PIK3AP1-related conditions. ClinVar contains an entry for this variant (Variation ID: 2740705). An algorithm developed to predict the effect of missense changes on protein structure and function (PolyPhen-2) suggests that this variant is likely to be disruptive. In summary, the available evidence is currently insufficient to determine the role of this variant in disease. Therefore, it has been classified as a Variant of Uncertain Significance.

NM_152309.3(PIK3AP1):c.2132G>A (p.Arg711Gln)

Gene: PIK3AP1 (phosphoinositide-3-kinase adaptor protein 1; minus strand). Cytogenetic location: 10q24.1.
Variant type: single nucleotide variant.
Coding change: c.2132G>A on transcript NM_152309.3 (MANE Select); coding-DNA position 2132, G replaced by A.
Protein change: p.Arg711Gln; replaces arginine 711 with glutamine.
Molecular consequence: missense variant.
Genome position (GRCh38, 1-based): chr10:96,609,750, C>T on the plus strand (G>A on the coding strand, the complement: PIK3AP1 is on the minus strand). VCF-style: chr10-96609750-C-T. GRCh37 (hg19) VCF-style: chr10-98369507-C-T.
Other names: short protein forms R711Q.
Identifiers: ClinVar variation 2740705 (VCV002740705.3), dbSNP rs754633544, ClinGen allele CA5626057.
Genomic context (GRCh38, chr10:96,609,750, plus strand): 5'-CCCCGCACCCCCAGCTGCTCACTTGCTGTGCTGGAGGTGCTGTCTGTTTTCCAGTCTCCT[C>T]GTCTCAGCTCCGTCCTAGGGGGAATGACACTTTTCCTGGGGCCACTCTCATAGACTCCAA-3'
Protein context (NP_689522.2, residues 701-721): SVIPPRTELR[Arg711Gln]GDWKTDSTSS